The following is an entry in ClinVar:

ClinVar aggregate classification (germline): Uncertain significance (1 of 4 stars; one submission).

Submission:

Labcorp Genetics (formerly Invitae), Labcorp
Classification: Uncertain significance. Last evaluated: 2024-09-01. Review status: criteria provided, single submitter. Criteria: Invitae Variant Classification Sherloc (09022015). Collection method: clinical testing. Allele origin: germline.
Comment: This sequence change replaces leucine, which is neutral and non-polar, with glutamine, which is neutral and polar, at codon 423 of the ANXA11 protein (p.Leu423Gln). This variant is not present in population databases (gnomAD no frequency). This variant has not been reported in the literature in individuals affected with ANXA11-related conditions. An algorithm developed to predict the effect of missense changes on protein structure and function (PolyPhen-2) suggests that this variant is likely to be disruptive. In summary, the available evidence is currently insufficient to determine the role of this variant in disease. Therefore, it has been classified as a Variant of Uncertain Significance.

NM_145868.2(ANXA11):c.1268T>A (p.Leu423Gln)

Genes: ANXA11 (annexin A11; minus strand), LOC126860977 (CDK7 strongly-dependent group 2 enhancer GRCh37_chr10:81917938-81919137; plus strand). Cytogenetic location: 10q22.3.
Variant type: single nucleotide variant.
Coding change: c.1268T>A on transcript NM_145868.2 (MANE Select); coding-DNA position 1268, T replaced by A.
Protein change: p.Leu423Gln; replaces leucine 423 with glutamine.
Molecular consequence: missense variant.
Genome position (GRCh38, 1-based): chr10:80,159,108, A>T on the plus strand (T>A on the coding strand, the complement: ANXA11 is on the minus strand). VCF-style: chr10-80159108-A-T. GRCh37 (hg19) VCF-style: chr10-81918864-A-T.
Other names: c.1268T>A, p.Leu423Gln (NM_001157.3, NM_001278407.2, NM_001278408.2 and 1 more transcripts); c.1169T>A, p.Leu390Gln (NM_001278409.2); short protein forms L423Q, L390Q.
Identifiers: ClinVar variation 3664082 (VCV003664082.2).